The following is an entry in ClinVar:

NM_003128.3(SPTBN1):c.2166C>G (p.Ile722Met)

Gene: SPTBN1 (spectrin beta, non-erythrocytic 1; plus strand). Cytogenetic location: 2p16.2.
Variant type: single nucleotide variant.
Coding change: c.2166C>G on transcript NM_003128.3 (MANE Select); coding-DNA position 2166, C replaced by G.
Protein change: p.Ile722Met; replaces isoleucine 722 with methionine.
Molecular consequence: missense variant.
Genome position (GRCh38, 1-based): chr2:54,629,300, C>G. VCF-style: chr2-54629300-C-G. GRCh37 (hg19) VCF-style: chr2-54856437-C-G.
Other names: c.2127C>G, p.Ile709Met (NM_178313.3); short protein forms I709M, I722M.
Identifiers: ClinVar variation 3393873 (VCV003393873.1).

ClinVar aggregate classification (germline): Uncertain significance (1 of 4 stars; one submission).

Submission:

GeneDx
Classification: Uncertain significance. Last evaluated: 2024-07-03. Review status: criteria provided, single submitter. Criteria: GeneDx Variant Classification Process June 2021. Collection method: clinical testing. Allele origin: germline. Affected: yes.
Comment: Not observed at significant frequency in large population cohorts (gnomAD); In silico analysis indicates that this missense variant does not alter protein structure/function; Has not been previously published as pathogenic or benign to our knowledge